The following is an entry in ClinVar:

NC_000012.12:g.56173943_56407078inv

Genes: ANKRD52 (ankyrin repeat domain 52; minus strand), APOF (apolipoprotein F; minus strand), CNPY2 (canopy FGF signaling regulator 2; minus strand), COQ10A (coenzyme Q10A; plus strand), CS (citrate synthase; minus strand) and 43 more. Cytogenetic location: 12q13.2-13.3.
Variant type: Inversion.
Identifiers: ClinVar variation 4280325 (VCV004280325.1).

ClinVar aggregate classification (germline): Pathogenic (1 of 4 stars; one submission).

Conditions:
Coffin-Siris syndrome 8. Identifiers: MedGen C5193054, MONDO:0032702, OMIM 618362.

Submission:

Human Genetics Section, Sidra Medicine
Classification: Pathogenic for Coffin-Siris syndrome 8. Last evaluated: 2025-10-08. Review status: criteria provided, single submitter. Criteria: ACMG/ClinGen CNV Guidelines, 2019. Collection method: research. Allele origin: de novo. Inheritance: Autosomal dominant inheritance. Affected: yes. Observed: 1 heterozygote.
Comment: The inversion spans 233 kb with the 1st breakpoint leading to the inversion of the sequence of exons 1-16 of the SMARCC2 gene (criteria 2C-1; score 0.90). The structural variant has been confirmed as de novo. The reported phenotype is consistent with SMARCC2-related phenotypes (Coffin-Siris syndrome MIM #618362) (PMID: 30580808), albeit with some genetic heterogeneity (criteria 5A; score 0.15). Based on these criteria, the variant was classified as pathogenic (total score 1.05).

Literature cited by the submitters: PubMed 30580808.